The following is an entry in ClinVar:

NM_022166.4(XYLT1):c.359C>T (p.Ala120Val)

Gene: XYLT1 (xylosyltransferase 1; minus strand). Cytogenetic location: 16p12.3.
Variant type: single nucleotide variant.
Coding change: c.359C>T on transcript NM_022166.4 (MANE Select); coding-DNA position 359, C replaced by T.
Protein change: p.Ala120Val; replaces alanine 120 with valine.
Molecular consequence: missense variant.
Genome position (GRCh38, 1-based): chr16:17,470,438, G>A on the plus strand (C>T on the coding strand, the complement: XYLT1 is on the minus strand). VCF-style: chr16-17470438-G-A. GRCh37 (hg19) VCF-style: chr16-17564295-G-A.
Other names: short protein forms A120V.
Identifiers: ClinVar variation 1498969 (VCV001498969.8), dbSNP rs1187139126, ClinGen allele CA395219881.

ClinVar aggregate classification (germline): Uncertain significance (1 of 4 stars; one submission).

Conditions:
Desbuquois dysplasia 1 (DBQD1). Also called: DESBUQUOIS DYSPLASIA 1, KIM VARIANT; MICROMELIC DWARFISM WITH VERTEBRAL AND METAPHYSEAL ABNORMALITIES AND ADVANCED CARPOTARSAL OSSIFICATION. Identifiers: Orphanet 1425, MedGen C4012146, MONDO:0009629, OMIM 251450.

Allele frequency attached by ClinVar (database versions not stated): gnomAD 0.00001.
gnomAD v4.1: 3 of 1,230,524 alleles (0.00024%); highest among the groups gnomAD compares: East Asian, 0.0095%; no homozygotes.

Submission:

Labcorp Genetics (formerly Invitae), Labcorp
Classification: Uncertain significance for Desbuquois dysplasia 1. Last evaluated: 2023-10-13. Review status: criteria provided, single submitter. Criteria: Invitae Variant Classification Sherloc (09022015). Collection method: clinical testing. Allele origin: germline.
Comment: This sequence change replaces alanine, which is neutral and non-polar, with valine, which is neutral and non-polar, at codon 120 of the XYLT1 protein (p.Ala120Val). This variant is present in population databases (no rsID available, gnomAD 0.06%). This variant has not been reported in the literature in individuals affected with XYLT1-related conditions. ClinVar contains an entry for this variant (Variation ID: 1498969). An algorithm developed to predict the effect of missense changes on protein structure and function (PolyPhen-2) suggests that this variant is likely to be tolerated. In summary, the available evidence is currently insufficient to determine the role of this variant in disease. Therefore, it has been classified as a Variant of Uncertain Significance.